The following is an entry in ClinVar:

ClinVar aggregate classification (germline): Uncertain significance (1 of 4 stars; one submission).

Conditions:
Muscular dystrophy-dystroglycanopathy (congenital with impaired intellectual development), type B, 14. Also called: MUSCULAR DYSTROPHY, CONGENITAL, GMPPB-RELATED; Congenital muscular dystrophy-dystroglycanopathy with mental retardation, type B14; Muscular dystrophy-dystroglycanopathy (congenital with intellectual disability), type B14. Identifiers: MedGen C3809221, MONDO:0014141, OMIM 615351.
Muscular dystrophy-dystroglycanopathy (congenital with brain and eye anomalies), type A14. Also called: WALKER-WARBURG SYNDROME OR MUSCLE-EYE-BRAIN DISEASE, GMPPB-RELATED; Muscular dystrophy-dystroglycanopathy (congenital with brain and eye anomalies), type a, 14; Congenital Muscular Dystrophy-Dystroglycanopathy with Brain and Eye Anomalies Type A 14; Congenital muscular dystrophy-dystroglycanopathy with brain and eye anomalies, type A14. Identifiers: Orphanet 588, MedGen C3809216, MONDO:0014140, OMIM 615350.
Autosomal recessive limb-girdle muscular dystrophy type 2T. Also called: MUSCULAR DYSTROPHY-DYSTROGLYCANOPATHY, LIMB-GIRDLE, GMPPB-RELATED; MUSCULAR DYSTROPHY, LIMB-GIRDLE, TYPE 2T; Muscular dystrophy-dystroglycanopathy (limb-girdle), type c, 14; Limb-girdle muscular dystrophy-dystroglycanopathy, type C14. Identifiers: Orphanet 363623, MedGen C4518000, MONDO:0014142, OMIM 615352.

gnomAD v4.1: 1 of 1,613,076 alleles (0.000062%); highest among the groups gnomAD compares: Non-Finnish European, 0.000085%; no homozygotes.

Submission:

Labcorp Genetics (formerly Invitae), Labcorp
Classification: Uncertain significance for Autosomal recessive limb-girdle muscular dystrophy type 2T; Muscular dystrophy-dystroglycanopathy (congenital with brain and eye anomalies), type A14; Muscular dystrophy-dystroglycanopathy (congenital with impaired intellectual development), type B, 14. Last evaluated: 2022-06-12. Review status: criteria provided, single submitter. Criteria: Invitae Variant Classification Sherloc (09022015). Collection method: clinical testing. Allele origin: germline.
Comment: This variant has not been reported in the literature in individuals affected with GMPPB-related conditions. In summary, the available evidence is currently insufficient to determine the role of this variant in disease. Therefore, it has been classified as a Variant of Uncertain Significance. Variants that disrupt the consensus splice site are a relatively common cause of aberrant splicing (PMID: 17576681, 9536098). Algorithms developed to predict the effect of sequence changes on RNA splicing suggest that this variant may disrupt the consensus splice site. Algorithms developed to predict the effect of missense changes on protein structure and function (SIFT, PolyPhen-2, Align-GVGD) all suggest that this variant is likely to be disruptive. This variant is not present in population databases (gnomAD no frequency). This sequence change replaces tryptophan, which is neutral and slightly polar, with cysteine, which is neutral and slightly polar, at codon 317 of the GMPPB protein (p.Trp317Cys). This variant also falls at the last nucleotide of exon 8, which is part of the consensus splice site for this exon.

Literature cited by the submitters: PubMed 17576681; PubMed 9536098.

NM_021971.4(GMPPB):c.951G>T (p.Trp317Cys)

Gene: GMPPB (GDP-mannose pyrophosphorylase B; minus strand). Cytogenetic location: 3p21.31.
Variant type: single nucleotide variant.
Coding change: c.951G>T on transcript NM_021971.4 (MANE Select); coding-DNA position 951, G replaced by T.
Protein change: p.Trp317Cys; replaces tryptophan 317 with cysteine.
Molecular consequence: missense variant.
Genome position (GRCh38, 1-based): chr3:49,721,965, C>A on the plus strand (G>T on the coding strand, the complement: GMPPB is on the minus strand). VCF-style: chr3-49721965-C-A. GRCh37 (hg19) VCF-style: chr3-49759398-C-A.
Other names: c.951G>T, p.Trp317Cys (NM_013334.4); short protein forms W317C.
Identifiers: ClinVar variation 2005071 (VCV002005071.4), dbSNP rs2544752296, ClinGen allele CA352826730.